The following is an entry in ClinVar:

NM_006206.6(PDGFRA):c.1237+6T>C

Gene: PDGFRA (platelet derived growth factor receptor alpha; plus strand). Cytogenetic location: 4q12.
Variant type: single nucleotide variant.
Coding change: c.1237+6T>C on transcript NM_006206.6 (MANE Select); 6 bases into the intron after coding-DNA position 1237, T replaced by C.
Molecular consequence: intron variant.
Genome position (GRCh38, 1-based): chr4:54,270,754, T>C. VCF-style: chr4-54270754-T-C. GRCh37 (hg19) VCF-style: chr4-55136921-T-C.
Other names: c.1312+6T>C (NM_001347828.2); c.1237+6T>C (NM_001347827.2, NM_001347829.2); c.1276+6T>C (NM_001347830.2).
Identifiers: ClinVar variation 2150971 (VCV002150971.4), dbSNP rs776442219, ClinGen allele CA2922491.

ClinVar aggregate classification (germline): Uncertain significance (1 of 4 stars; one submission).

Conditions:
Gastrointestinal stromal tumor. Also called: Gastrointestinal stroma tumor; Gastrointestinal stromal tumor, somatic. Identifiers: Orphanet 44890, MedGen C0238198, MeSH D046152, MONDO:0011719, OMIM 606764, HP:0100723.

Allele frequency attached by ClinVar (database versions not stated): gnomAD exomes below 0.00001; ExAC 0.00001.
gnomAD v4.1: 1 of 1,426,016 alleles (0.00007%); highest among the groups gnomAD compares: Non-Finnish European, 0.000099%; no homozygotes.

Submission:

Labcorp Genetics (formerly Invitae), Labcorp
Classification: Uncertain significance for Gastrointestinal stromal tumor. Last evaluated: 2023-09-05. Review status: criteria provided, single submitter. Criteria: Invitae Variant Classification Sherloc (09022015). Collection method: clinical testing. Allele origin: germline.
Comment: In summary, the available evidence is currently insufficient to determine the role of this variant in disease. Therefore, it has been classified as a Variant of Uncertain Significance. Variants that disrupt the consensus splice site are a relatively common cause of aberrant splicing (PMID: 17576681, 9536098). Algorithms developed to predict the effect of sequence changes on RNA splicing suggest that this variant is not likely to affect RNA splicing. ClinVar contains an entry for this variant (Variation ID: 2150971). This variant has not been reported in the literature in individuals affected with PDGFRA-related conditions. This variant is present in population databases (rs776442219, gnomAD 0.0009%). This sequence change falls in intron 8 of the PDGFRA gene. It does not directly change the encoded amino acid sequence of the PDGFRA protein. It affects a nucleotide within the consensus splice site.

Literature cited by the submitters: PubMed 17576681; PubMed 9536098.